The following is an entry in ClinVar:

ClinVar aggregate classification (germline): Uncertain significance (1 of 4 stars; one submission).

Conditions:
Biotinidase deficiency. Also called: BTD deficiency; Late-onset biotin-responsive multiple carboxylase deficiency; Biotin deficiency. Identifiers: Orphanet 79241, MedGen C0220754, MONDO:0009665, OMIM 253260.

Submission:

Labcorp Genetics (formerly Invitae), Labcorp
Classification: Uncertain significance for Biotinidase deficiency. Last evaluated: 2021-07-07. Review status: criteria provided, single submitter. Criteria: Invitae Variant Classification Sherloc (09022015). Collection method: clinical testing. Allele origin: germline.
Comment: This sequence change replaces isoleucine with phenylalanine at codon 282 of the BTD protein (p.Ile282Phe). The isoleucine residue is moderately conserved and there is a small physicochemical difference between isoleucine and phenylalanine. This variant is not present in population databases (ExAC no frequency). This variant has not been reported in the literature in individuals affected with BTD-related conditions. Algorithms developed to predict the effect of missense changes on protein structure and function are either unavailable or do not agree on the potential impact of this missense change (SIFT: "Deleterious"; PolyPhen-2: "Possibly Damaging"; Align-GVGD: "Class C0"). In summary, the available evidence is currently insufficient to determine the role of this variant in disease. Therefore, it has been classified as a Variant of Uncertain Significance.

NM_001370658.1(BTD):c.784A>T (p.Ile262Phe)

Gene: BTD (biotinidase; plus strand). Cytogenetic location: 3p25.1.
Variant type: single nucleotide variant.
Coding change: c.784A>T on transcript NM_001370658.1 (MANE Select); coding-DNA position 784, A replaced by T.
Protein change: p.Ile262Phe; replaces isoleucine 262 with phenylalanine.
Molecular consequence: missense variant. On other transcripts: intron variant (1).
Genome position (GRCh38, 1-based): chr3:15,644,700, A>T. VCF-style: chr3-15644700-A-T. GRCh37 (hg19) VCF-style: chr3-15686207-A-T.
Other names: c.784A>T, p.Ile262Phe (NM_001281725.3, NM_001323582.2, NM_001370752.1 and 18 more transcripts); c.844A>T, p.Ile282Phe (NM_000060.4); c.399+2643A>T (NM_001370753.1); short protein forms I262F, I282F.
Identifiers: ClinVar variation 1365670 (VCV001365670.9), dbSNP rs549204682, ClinGen allele CA351607341.
Genomic context (GRCh38, chr3:15,644,700, plus strand): 5'-AAGGTGAAGCATGTTGTGTACCCAACTGCCTGGATGAACCAGCTCCCACTCTTGGCAGCA[A>T]TTGAGATTCAGAAAGCTTTTGCTGTTGCCTTTGGCATCAACGTTCTGGCAGCTAATGTCC-3'
Protein context (NP_001357587.1, residues 252-272): WMNQLPLLAA[Ile262Phe]EIQKAFAVAF